The following is an entry in ClinVar:

NM_001267550.2(TTN):c.90594T>A (p.His30198Gln)

Genes: TTN-AS1 (TTN antisense RNA 1; plus strand), TTN (titin; minus strand). Cytogenetic location: 2q31.2.
Variant type: single nucleotide variant.
Coding change: c.90594T>A on transcript NM_001267550.2 (MANE Select); coding-DNA position 90594, T replaced by A.
Protein change: p.His30198Gln; replaces histidine 30198 with glutamine.
Molecular consequence: missense variant.
Genome position (GRCh38, 1-based): chr2:178,552,306, A>T on the plus strand (T>A on the coding strand, the complement: TTN is on the minus strand). VCF-style: chr2-178552306-A-T. GRCh37 (hg19) VCF-style: chr2-179417033-A-T.
Other names: c.90594T>A (NM_001267550.1); c.85671T>A, p.His28557Gln (NM_001256850.1); c.63399T>A, p.His21133Gln (NM_003319.4); c.82890T>A, p.His27630Gln (NM_133378.4); c.63774T>A, p.His21258Gln (NM_133432.3); c.63975T>A, p.His21325Gln (NM_133437.4); short protein forms H27630Q, H30198Q, H21258Q, H28557Q, H21133Q, H21325Q.
Identifiers: ClinVar variation 284119 (VCV000284119.6), dbSNP rs765307374, ClinGen allele CA10604695.

ClinVar aggregate classification (germline): Uncertain significance. Review status: criteria provided, multiple submitters, no conflicts (2 of 4 stars). 2 submissions from 2 submitters: Uncertain significance (2). Last evaluated 2025-03-18.

Allele frequency attached by ClinVar (database versions not stated): TOPMed 0.00001.
gnomAD v4.1: 20 of 1,612,234 alleles (0.0012%); highest among the groups gnomAD compares: Non-Finnish European, 0.0017%; no homozygotes.

Submissions (2):

GeneDx
Classification: Uncertain significance. Last evaluated: 2025-03-18. Review status: criteria provided, single submitter. Criteria: GeneDx Variant Classification Process June 2021. Collection method: clinical testing. Allele origin: germline. Affected: yes.
Comment: Not observed at significant frequency in large population cohorts (gnomAD); Missense variant in a gene in which most reported pathogenic variants are truncating/loss of function; Has not been previously published as pathogenic or benign to our knowledge

Eurofins Ntd Llc (ga)
Classification: Uncertain significance. Last evaluated: 2017-11-02. Review status: criteria provided, single submitter. Criteria: EGL Classification Definitions 2015. Collection method: clinical testing. Allele origin: germline. Observed: 1 variant allele, 1 heterozygote.